The following is an entry in ClinVar:

ClinVar aggregate classification (germline): Uncertain significance (1 of 4 stars; one submission).

Conditions:
X-linked Alport syndrome (ATS1). Also called: COL4A5-Related Nephropathy; NEPHROPATHY AND DEAFNESS, X-LINKED. Identifiers: Orphanet 63, Orphanet 88917, MedGen C4746986, MONDO:0010520, OMIM 301050.

Submission:

MVZ Medizinische Genetik Mainz
Classification: Uncertain significance for X-linked Alport syndrome. Last evaluated: 2024-01-30. Review status: criteria provided, single submitter. Criteria: UK Practice Guidelines For Variant Classification V4 01 2020. Collection method: clinical testing. Allele origin: germline. Inheritance: X-linked dominant inheritance. Affected: yes. Observed: 1 variant allele.
Comment: ACMG Criteria: PM2_SUP,PP4

NM_033380.3(COL4A5):c.609+841A>G

Gene: COL4A5 (collagen type IV alpha 5 chain; plus strand). Cytogenetic location: Xq22.3.
Variant type: single nucleotide variant.
Coding change: c.609+841A>G on transcript NM_033380.3 (MANE Select); 841 bases into the intron after coding-DNA position 609, A replaced by G.
Molecular consequence: intron variant.
Genome position (GRCh38, 1-based): chrX:108,576,813, A>G. VCF-style: chrX-108576813-A-G. GRCh37 (hg19) VCF-style: chrX-107820043-A-G.
Other names: c.609+841A>G (NM_000495.5).
Identifiers: ClinVar variation 3236110 (VCV003236110.1), dbSNP rs2066157160, ClinGen allele CA2825002914.